The following is an entry in ClinVar:

ClinVar aggregate classification (germline): Uncertain significance. Review status: criteria provided, multiple submitters, no conflicts (2 of 4 stars). 5 submissions from 5 submitters: Uncertain significance (4). 1 of the submissions does not count toward it. Last evaluated 2025-10-27.

Conditions:
Platelet abnormalities with eosinophilia and immune-mediated inflammatory disease. Also called: IMMUNODEFICIENCY 71 WITH INFLAMMATORY DISEASE AND CONGENITAL THROMBOCYTOPENIA. Identifiers: MedGen C4540232, MONDO:0060583, OMIM 617718.
ARPC1B-related disorder. Also called: ARPC1B-related condition.

Allele frequency attached by ClinVar (database versions not stated): 1000 Genomes Project 30x 0.00062; gnomAD exomes 0.00071; 1000 Genomes Project 0.00080; ExAC 0.00083; TOPMed 0.00091; ESP Exome Variant Server 0.00092; gnomAD 0.00094 and 0.00096.

Submissions (5):

Mayo Clinic Laboratories, Mayo Clinic
Classification: Uncertain significance. Last evaluated: 2025-10-27. Review status: criteria provided, single submitter. Criteria: ACMG Guidelines, 2015. Collection method: clinical testing. Allele origin: germline. Observed: 6 variant alleles.

CeGaT Center for Human Genetics Tuebingen
Classification: Uncertain significance. Last evaluated: 2025-03-01. Review status: criteria provided, single submitter. Criteria: CeGaT Center For Human Genetics Tuebingen Variant Classification Criteria Version 2. Collection method: clinical testing. Allele origin: germline. Affected: yes. Observed: 2 variant alleles.

Blueprint Genetics
Classification: Uncertain significance. Last evaluated: 2024-11-19. Review status: criteria provided, single submitter. Criteria: ACMG Guidelines, 2015. Collection method: clinical testing. Allele origin: germline.

Labcorp Genetics (formerly Invitae), Labcorp
Classification: Uncertain significance. Last evaluated: 2023-12-21. Review status: criteria provided, single submitter. Criteria: Invitae Variant Classification Sherloc (09022015). Collection method: clinical testing. Allele origin: germline.
Comment: This sequence change replaces methionine, which is neutral and non-polar, with arginine, which is basic and polar, at codon 350 of the ARPC1B protein (p.Met350Arg). This variant is present in population databases (rs151225927, gnomAD 0.1%), and has an allele count higher than expected for a pathogenic variant. This variant has not been reported in the literature in individuals affected with ARPC1B-related conditions. ClinVar contains an entry for this variant (Variation ID: 1053497). Advanced modeling of protein sequence and biophysical properties (such as structural, functional, and spatial information, amino acid conservation, physicochemical variation, residue mobility, and thermodynamic stability) performed at Invitae indicates that this missense variant is not expected to disrupt ARPC1B protein function with a negative predictive value of 80%. In summary, the available evidence is currently insufficient to determine the role of this variant in disease. Therefore, it has been classified as a Variant of Uncertain Significance.

PreventionGenetics, part of Exact Sciences
Classification: Likely benign for ARPC1B-related condition. Last evaluated: 2024-09-05. Review status: no assertion criteria provided. Collection method: clinical testing. Allele origin: germline. Not counted in ClinVar's aggregate classification.
Comment: This variant is classified as likely benign based on ACMG/AMP sequence variant interpretation guidelines (Richards et al. 2015 PMID: 25741868, with internal and published modifications).

NM_005720.4(ARPC1B):c.1049T>G (p.Met350Arg)

Gene: ARPC1B (actin related protein 2/3 complex subunit 1B; plus strand). Cytogenetic location: 7q22.1.
Variant type: single nucleotide variant.
Coding change: c.1049T>G on transcript NM_005720.4 (MANE Select); coding-DNA position 1049, T replaced by G.
Protein change: p.Met350Arg; replaces methionine 350 with arginine.
Molecular consequence: missense variant.
Genome position (GRCh38, 1-based): chr7:99,394,088, T>G. VCF-style: chr7-99394088-T-G. GRCh37 (hg19) VCF-style: chr7-98991711-T-G.
Other names: p.Met350Arg; c.1049T>G (NM_005720.3); short protein forms M350R.
Identifiers: ClinVar variation 1053497 (VCV001053497.36), dbSNP rs151225927, ClinGen allele CA4364206.